The following is an entry in ClinVar:

ClinVar aggregate classification (germline): Conflicting classifications of pathogenicity. Review status: criteria provided, conflicting classifications (1 of 4 stars). 2 submissions from 2 submitters: Uncertain significance (1); Likely benign (1). Last evaluated 2022-09-20.

Conditions:
GRIN2A-related complex neurodevelopmental disorder. Also called: GRIN2A-related disorder; GRIN2A-related condition. Identifiers: MedGen CN379781, MONDO:1060139.
Landau-Kleffner syndrome (FESD). Also called: EPILEPSY, FOCAL, WITH SPEECH DISORDER AND WITH OR WITHOUT MENTAL RETARDATION; APHASIA, ACQUIRED, WITH EPILEPSY. Identifiers: Orphanet 1945, Orphanet 725, Orphanet 98818, MedGen C0282512, MONDO:0009509, OMIM 245570.

Submissions (2):

PreventionGenetics, part of Exact Sciences
Classification: Uncertain significance for GRIN2A-related condition. Last evaluated: 2022-09-20. Review status: criteria provided, single submitter. Criteria: ACMG Guidelines, 2015. Collection method: clinical testing. Allele origin: germline.
Comment: The GRIN2A c.3926G>T variant is predicted to result in the amino acid substitution p.Arg1309Leu. To our knowledge, this variant has not been reported in the literature or in a large population database, indicating this variant is rare. At this time, the clinical significance of this variant is uncertain due to the absence of conclusive functional and genetic evidence.

Labcorp Genetics (formerly Invitae), Labcorp
Classification: Likely benign for Landau-Kleffner syndrome. Last evaluated: 2021-08-14. Review status: criteria provided, single submitter. Criteria: Invitae Variant Classification Sherloc (09022015). Collection method: clinical testing. Allele origin: germline.

NM_001134407.3(GRIN2A):c.3926G>T (p.Arg1309Leu)

Gene: GRIN2A (glutamate ionotropic receptor NMDA type subunit 2A; minus strand). Cytogenetic location: 16p13.2.
Variant type: single nucleotide variant.
Coding change: c.3926G>T on transcript NM_001134407.3 (MANE Select); coding-DNA position 3926, G replaced by T.
Protein change: p.Arg1309Leu; replaces arginine 1309 with leucine.
Molecular consequence: missense variant. On other transcripts: intron variant (1).
Genome position (GRCh38, 1-based): chr16:9,763,618, C>A on the plus strand (G>T on the coding strand, the complement: GRIN2A is on the minus strand). VCF-style: chr16-9763618-C-A. GRCh37 (hg19) VCF-style: chr16-9857475-C-A.
Other names: c.3926G>T, p.Arg1309Leu (NM_000833.5); c.3772+154G>T (NM_001134408.2); short protein forms R1309L.
Identifiers: ClinVar variation 954337 (VCV000954337.11), dbSNP rs1900699130, ClinGen allele CA394706546.